The following is an entry in ClinVar:

NM_000038.6(APC):c.422+3687G>C

Gene: APC (APC regulator of WNT signaling pathway; plus strand). Cytogenetic location: 5q22.2.
Variant type: single nucleotide variant.
Coding change: c.422+3687G>C on transcript NM_000038.6 (MANE Select); 3687 bases into the intron after coding-DNA position 422, G replaced by C.
Molecular consequence: intron variant.
Genome position (GRCh38, 1-based): chr5:112,771,077, G>C. VCF-style: chr5-112771077-G-C. GRCh37 (hg19) VCF-style: chr5-112106774-G-C.
Other names: c.422+3687G>C (NM_001354895.2, NM_001127510.3, NM_001354896.2 and 2 more transcripts); c.452+3687G>C (NM_001354897.2, NM_001354902.2, NM_001127511.3); c.347+3687G>C (NM_001354898.2, NM_001354904.2); c.-614+3687G>C (NM_001354906.2); c.245+3687G>C (NM_001354900.2, NM_001354901.2, NM_001354905.2).
Identifiers: ClinVar variation 82415 (VCV000082415.2), dbSNP rs77732176, ClinGen allele CA009093.

ClinVar aggregate classification (germline): other (0 of 4 stars; one submission).

Conditions:
Familial colorectal cancer. Identifiers: MedGen CN280943, MONDO:0023113. Disease mechanism: loss of function.

Submission:

Systems Biology Platform Zhejiang California International NanoSystems Institute
Classification: other for Familial colorectal cancer. Review status: no assertion criteria provided. Collection method: not provided. Allele origin: unknown.
ClinVar note: Converted during submission from cancer to other.